The following is an entry in ClinVar:

NM_001492.6(GDF1):c.1102G>A (p.Glu368Lys)

Genes: CERS1 (ceramide synthase 1; minus strand), GDF1 (growth differentiation factor 1; minus strand). Cytogenetic location: 19p13.11.
Variant type: single nucleotide variant.
Coding change: c.1102G>A on transcript NM_001492.6 (MANE Select); coding-DNA position 1102, G replaced by A.
Protein change: p.Glu368Lys; replaces glutamic acid 368 with lysine.
Molecular consequence: missense variant. On other transcripts: 3 prime UTR variant (2).
Genome position (GRCh38, 1-based): chr19:18,868,614, C>T on the plus strand (G>A on the coding strand, the complement: GDF1 is on the minus strand). VCF-style: chr19-18868614-C-T. GRCh37 (hg19) VCF-style: chr19-18979423-C-T.
Other names: c.*1963G>A (NM_001387440.1); c.*1371G>A (NM_021267.5); c.1102G>A, p.Glu368Lys (NM_001387438.1); short protein forms E368K.
Identifiers: ClinVar variation 1007022 (VCV001007022.11), dbSNP rs369804280, ClinGen allele CA9317894.

ClinVar aggregate classification (germline): Uncertain significance. Review status: criteria provided, multiple submitters, no conflicts (2 of 4 stars). 2 submissions from 2 submitters: Uncertain significance (2). Last evaluated 2025-12-11.

Allele frequency attached by ClinVar (database versions not stated): ESP Exome Variant Server 0.00008; TOPMed 0.00009; ExAC 0.00010; gnomAD 0.00010 and 0.00011.
gnomAD v4.1: 130 of 1,564,150 alleles (0.0083%); highest among the groups gnomAD compares: Non-Finnish European, 0.011%; no homozygotes.

Submissions (2):

Ambry Genetics
Classification: Uncertain significance. Last evaluated: 2025-12-11. Review status: criteria provided, single submitter. Criteria: Ambry Variant Classification Scheme 2023. Collection method: clinical testing. Allele origin: germline.

Labcorp Genetics (formerly Invitae), Labcorp
Classification: Uncertain significance. Last evaluated: 2020-02-03. Review status: criteria provided, single submitter. Criteria: Invitae Variant Classification Sherloc (09022015). Collection method: clinical testing. Allele origin: germline.
Comment: This sequence change replaces glutamic acid with lysine at codon 368 of the GDF1 protein (p.Glu368Lys). The glutamic acid residue is highly conserved and there is a small physicochemical difference between glutamic acid and lysine. This variant is present in population databases (rs369804280, ExAC 0.2%). This variant has not been reported in the literature in individuals with GDF1-related conditions. Algorithms developed to predict the effect of missense changes on protein structure and function are either unavailable or do not agree on the potential impact of this missense change (SIFT: "Deleterious"; PolyPhen-2: "Benign"; Align-GVGD: "Class C55"). In summary, the available evidence is currently insufficient to determine the role of this variant in disease. Therefore, it has been classified as a Variant of Uncertain Significance.